The following is an entry in ClinVar:

NM_001369268.1(ACAN):c.7508G>T (p.Arg2503Leu)

Gene: ACAN (aggrecan; plus strand). Cytogenetic location: 15q26.1.
Variant type: single nucleotide variant.
Coding change: c.7508G>T on transcript NM_001369268.1 (MANE Select); coding-DNA position 7508, G replaced by T.
Protein change: p.Arg2503Leu; replaces arginine 2503 with leucine.
Molecular consequence: missense variant. On other transcripts: intron variant (1).
Genome position (GRCh38, 1-based): chr15:88,873,902, G>T. VCF-style: chr15-88873902-G-T. GRCh37 (hg19) VCF-style: chr15-89417133-G-T.
Other names: c.7280G>T, p.Arg2427Leu (NM_001411096.1); c.7394G>T, p.Arg2465Leu (NM_001411097.1, NM_013227.4); c.7220-503G>T (NM_001135.4); short protein forms R2427L, R2465L, R2503L.
Identifiers: ClinVar variation 2874800 (VCV002874800.3), dbSNP rs529444135, ClinGen allele CA7720716.

ClinVar aggregate classification (germline): Uncertain significance (1 of 4 stars; one submission).

gnomAD v4.1: 1 of 1,613,842 alleles (0.000062%); highest among the groups gnomAD compares: Non-Finnish European, 0.000085%; no homozygotes.

Submission:

Labcorp Genetics (formerly Invitae), Labcorp
Classification: Uncertain significance. Last evaluated: 2025-09-02. Review status: criteria provided, single submitter. Criteria: Invitae Variant Classification Sherloc (09022015). Collection method: clinical testing. Allele origin: germline.
Comment: This sequence change replaces arginine, which is basic and polar, with leucine, which is neutral and non-polar, at codon 2465 of the ACAN protein (p.Arg2465Leu). This variant is present in population databases (rs529444135, gnomAD 0.0009%). This variant has not been reported in the literature in individuals affected with ACAN-related conditions. ClinVar contains an entry for this variant (Variation ID: 2874800). An algorithm developed to predict the effect of missense changes on protein structure and function (PolyPhen-2) suggests that this variant is likely to be disruptive. In summary, the available evidence is currently insufficient to determine the role of this variant in disease. Therefore, it has been classified as a Variant of Uncertain Significance.